The following is an entry in ClinVar:

NM_001365276.2(TNXB):c.2876G>A (p.Arg959His)

Gene: TNXB (tenascin XB; minus strand). Cytogenetic location: 6p21.33.
Variant type: single nucleotide variant.
Coding change: c.2876G>A on transcript NM_001365276.2 (MANE Select); coding-DNA position 2876, G replaced by A.
Protein change: p.Arg959His; replaces arginine 959 with histidine.
Molecular consequence: missense variant.
Genome position (GRCh38, 1-based): chr6:32,086,022, C>T on the plus strand (G>A on the coding strand, the complement: TNXB is on the minus strand). VCF-style: chr6-32086022-C-T. GRCh37 (hg19) VCF-style: chr6-32053799-C-T.
Other names: c.2876G>A, p.Arg959His (NM_019105.8); short protein forms R959H.
Identifiers: ClinVar variation 1797103 (VCV001797103.2), dbSNP rs768206893, ClinGen allele CA3735302.

ClinVar aggregate classification (germline): Uncertain significance (1 of 4 stars; one submission).

Conditions:
Cardiovascular phenotype. Identifiers: MedGen CN230736.

Allele frequency attached by ClinVar (database versions not stated): TOPMed below 0.00001; gnomAD exomes 0.00001; ExAC 0.00003.
gnomAD v4.1: 20 of 1,606,002 alleles (0.0012%); highest among the groups gnomAD compares: South Asian, 0.0033%; no homozygotes.

Submission:

Ambry Genetics
Classification: Uncertain significance for Cardiovascular phenotype. Last evaluated: 2021-10-29. Review status: criteria provided, single submitter. Criteria: Ambry Variant Classification Scheme 2023. Collection method: clinical testing. Allele origin: germline.
Comment: The p.R959H variant (also known as c.2876G>A), located in coding exon 6 of the TNXB gene, results from a G to A substitution at nucleotide position 2876. The arginine at codon 959 is replaced by histidine, an amino acid with highly similar properties. This amino acid position is conserved. In addition, this alteration is predicted to be tolerated by in silico analysis. Since supporting evidence is limited at this time, the clinical significance of this alteration remains unclear.